The following is an entry in ClinVar:

ClinVar aggregate classification (germline): Uncertain significance (1 of 4 stars; one submission).

Conditions:
Hereditary cancer-predisposing syndrome. Also called: Neoplastic Syndromes, Hereditary; Hereditary Cancer Syndrome; Tumor predisposition; Hereditary neoplastic syndrome. Identifiers: Orphanet 140162, MedGen C0027672, MeSH D009386, MONDO:0015356.

Submission:

Ambry Genetics
Classification: Uncertain significance for Hereditary cancer-predisposing syndrome. Last evaluated: 2022-12-18. Review status: criteria provided, single submitter. Criteria: Ambry Variant Classification Scheme 2023. Collection method: clinical testing. Allele origin: germline.
Comment: The p.V137L variant (also known as c.409G>C), located in coding exon 3 of the POLD1 gene, results from a G to C substitution at nucleotide position 409. The valine at codon 137 is replaced by leucine, an amino acid with highly similar properties. This amino acid position is conserved. In addition, this alteration is predicted to be tolerated by in silico analysis. Since supporting evidence is limited at this time, the clinical significance of this alteration remains unclear.

NM_002691.4(POLD1):c.409G>C (p.Val137Leu)

Gene: POLD1 (DNA polymerase delta 1, catalytic subunit; plus strand). Cytogenetic location: 19q13.33.
Variant type: single nucleotide variant.
Coding change: c.409G>C on transcript NM_002691.4 (MANE Select); coding-DNA position 409, G replaced by C.
Protein change: p.Val137Leu; replaces valine 137 with leucine.
Molecular consequence: missense variant. On other transcripts: non-coding transcript variant (1).
Genome position (GRCh38, 1-based): chr19:50,401,870, G>C. VCF-style: chr19-50401870-G-C. GRCh37 (hg19) VCF-style: chr19-50905127-G-C.
Other names: c.409G>C, p.Val137Leu (NM_001256849.1, NM_001308632.1); short protein forms V137L.
Identifiers: ClinVar variation 2448204 (VCV002448204.2), dbSNP rs2122233920, ClinGen allele CA406972511.